The following is an entry in ClinVar:

ClinVar aggregate classification (germline): Uncertain significance. Review status: criteria provided, multiple submitters, no conflicts (2 of 4 stars). 2 submissions from 2 submitters: Uncertain significance (2). Last evaluated 2025-07-22.

Conditions:
Inborn genetic diseases. Identifiers: MedGen C0950123, MeSH D030342.
Bethlem myopathy 1A. Also called: Bethlem myopathy 1; Bethlem Muscular Dystrophy; MYOPATHY, BENIGN CONGENITAL, WITH CONTRACTURES. Identifiers: Orphanet 610, MedGen CN029274, MONDO:0024530, OMIM 158810.

Allele frequency attached by ClinVar (database versions not stated): gnomAD 0.00001; TOPMed 0.00001; gnomAD exomes 0.00002.
gnomAD v4.1: 25 of 1,610,742 alleles (0.0016%); highest among the groups gnomAD compares: Non-Finnish European, 0.0019%; no homozygotes.

Submissions (2):

Labcorp Genetics (formerly Invitae), Labcorp
Classification: Uncertain significance for Bethlem myopathy 1A. Last evaluated: 2025-07-22. Review status: criteria provided, single submitter. Criteria: Invitae Variant Classification Sherloc (09022015). Collection method: clinical testing. Allele origin: germline.
Comment: This sequence change replaces aspartic acid, which is acidic and polar, with asparagine, which is neutral and polar, at codon 203 of the COL6A2 protein (p.Asp203Asn). This variant is present in population databases (no rsID available, gnomAD 0.002%). This variant has not been reported in the literature in individuals affected with COL6A2-related conditions. ClinVar contains an entry for this variant (Variation ID: 2723405). Invitae Evidence Modeling of protein sequence and biophysical properties (such as structural, functional, and spatial information, amino acid conservation, physicochemical variation, residue mobility, and thermodynamic stability) indicates that this missense variant is not expected to disrupt COL6A2 protein function with a negative predictive value of 80%. In summary, the available evidence is currently insufficient to determine the role of this variant in disease. Therefore, it has been classified as a Variant of Uncertain Significance.

Ambry Genetics
Classification: Uncertain significance for Inborn genetic diseases. Last evaluated: 2025-04-09. Review status: criteria provided, single submitter. Criteria: Ambry Variant Classification Scheme 2023. Collection method: clinical testing. Allele origin: germline.

NM_001849.4(COL6A2):c.607G>A (p.Asp203Asn)

Gene: COL6A2 (collagen type VI alpha 2 chain; plus strand). Cytogenetic location: 21q22.3.
Variant type: single nucleotide variant.
Coding change: c.607G>A on transcript NM_001849.4 (MANE Select); coding-DNA position 607, G replaced by A.
Protein change: p.Asp203Asn; replaces aspartic acid 203 with asparagine.
Molecular consequence: missense variant.
Genome position (GRCh38, 1-based): chr21:46,112,470, G>A. VCF-style: chr21-46112470-G-A. GRCh37 (hg19) VCF-style: chr21-47532384-G-A.
Other names: c.607G>A, p.Asp203Asn (NM_058174.3, NM_058175.3); short protein forms D203N.
Identifiers: ClinVar variation 2723405 (VCV002723405.4), dbSNP rs1290796007, ClinGen allele CA410522077.